The following is an entry in ClinVar:

ClinVar aggregate classification (germline): Likely benign. Review status: criteria provided, multiple submitters, no conflicts (2 of 4 stars). 2 submissions from 2 submitters: Likely benign (2). Last evaluated 2024-11-21.

Allele frequency attached by ClinVar (database versions not stated): ESP Exome Variant Server 0.00008; 1000 Genomes Project 0.00120; 1000 Genomes Project 30x 0.00141; gnomAD 0.00006.
gnomAD v4.1: 225 of 1,592,684 alleles (0.014%); highest among the groups gnomAD compares: South Asian, 0.15%; 7 homozygotes.

Submissions (2):

Blueprint Genetics
Classification: Likely benign. Last evaluated: 2024-11-21. Review status: criteria provided, single submitter. Criteria: ACMG Guidelines, 2015. Collection method: clinical testing. Allele origin: germline.

CeGaT Center for Human Genetics Tuebingen
Classification: Likely benign. Last evaluated: 2023-06-01. Review status: criteria provided, single submitter. Criteria: CeGaT Center For Human Genetics Tuebingen Variant Classification Criteria Version 2. Collection method: clinical testing. Allele origin: germline. Affected: yes. Observed: 1 variant allele.
Comment: VPS41: BP4, BP7

NM_014396.4(VPS41):c.2439T>C (p.His813=)

Gene: VPS41 (VPS41 subunit of HOPS complex; minus strand). Cytogenetic location: 7p14.1.
Variant type: single nucleotide variant.
Coding change: c.2439T>C on transcript NM_014396.4 (MANE Select); coding-DNA position 2439, T replaced by C.
Protein change: p.His813=; no amino-acid change (histidine 813 retained).
Molecular consequence: synonymous variant.
Genome position (GRCh38, 1-based): chr7:38,726,954, A>G on the plus strand (T>C on the coding strand, the complement: VPS41 is on the minus strand). VCF-style: chr7-38726954-A-G. GRCh37 (hg19) VCF-style: chr7-38766554-A-G.
Other names: c.2364T>C, p.His788= (NM_080631.4).
Identifiers: ClinVar variation 2657389 (VCV002657389.25), dbSNP rs139371771, ClinGen allele CA4226380.